The following is an entry in ClinVar:

ClinVar aggregate classification (germline): Uncertain significance. Review status: criteria provided, multiple submitters, no conflicts (2 of 4 stars). 3 submissions from 3 submitters: Uncertain significance (3). Last evaluated 2024-10-24.

Conditions:
Inborn genetic diseases. Identifiers: MedGen C0950123, MeSH D030342.

Allele frequency attached by ClinVar (database versions not stated): ExAC 0.00002; gnomAD exomes 0.00002 and 0.00009; gnomAD 0.00004; TOPMed 0.00004; ESP Exome Variant Server 0.00008.
gnomAD v4.1: 130 of 1,613,926 alleles (0.0081%); highest among the groups gnomAD compares: Non-Finnish European, 0.011%; no homozygotes.

Submissions (3):

Blueprint Genetics
Classification: Uncertain significance. Last evaluated: 2024-10-24. Review status: criteria provided, single submitter. Criteria: ACMG Guidelines, 2015. Collection method: clinical testing. Allele origin: germline.

Labcorp Genetics (formerly Invitae), Labcorp
Classification: Uncertain significance. Last evaluated: 2024-01-08. Review status: criteria provided, single submitter. Criteria: Invitae Variant Classification Sherloc (09022015). Collection method: clinical testing. Allele origin: germline.
Comment: This sequence change replaces asparagine, which is neutral and polar, with lysine, which is basic and polar, at codon 758 of the CNGB1 protein (p.Asn758Lys). This variant is present in population databases (rs373363325, gnomAD 0.006%). This variant has not been reported in the literature in individuals affected with CNGB1-related conditions. ClinVar contains an entry for this variant (Variation ID: 860167). Advanced modeling of protein sequence and biophysical properties (such as structural, functional, and spatial information, amino acid conservation, physicochemical variation, residue mobility, and thermodynamic stability) performed at Invitae indicates that this missense variant is not expected to disrupt CNGB1 protein function with a negative predictive value of 80%. In summary, the available evidence is currently insufficient to determine the role of this variant in disease. Therefore, it has been classified as a Variant of Uncertain Significance.

Ambry Genetics
Classification: Uncertain significance for Inborn genetic diseases. Last evaluated: 2023-01-23. Review status: criteria provided, single submitter. Criteria: Ambry Variant Classification Scheme 2023. Collection method: clinical testing. Allele origin: germline.

NM_001297.5(CNGB1):c.2274C>A (p.Asn758Lys)

Gene: CNGB1 (cyclic nucleotide gated channel subunit beta 1; minus strand). Cytogenetic location: 16q21.
Variant type: single nucleotide variant.
Coding change: c.2274C>A on transcript NM_001297.5 (MANE Select); coding-DNA position 2274, C replaced by A.
Protein change: p.Asn758Lys; replaces asparagine 758 with lysine.
Molecular consequence: missense variant.
Genome position (GRCh38, 1-based): chr16:57,915,279, G>T on the plus strand (C>A on the coding strand, the complement: CNGB1 is on the minus strand). VCF-style: chr16-57915279-G-T. GRCh37 (hg19) VCF-style: chr16-57949183-G-T.
Other names: c.2256C>A, p.Asn752Lys (NM_001286130.2); short protein forms N752K, N758K.
Identifiers: ClinVar variation 860167 (VCV000860167.8), dbSNP rs373363325, ClinGen allele CA8083085.
Genomic context (GRCh38, chr16:57,915,279, plus strand): 5'-GGCCTGGGGTGGTGGGCCCAGCAGTCCTACCTTTAAACAGCGGGGCAGGCGGAGGAGGGG[G>T]TTCACACCGACTTTCAAATAGAGAAAATCCAAGGGCAGGAGGCTGAGCAGGTCCATCTGA-3'
Protein context (NP_001288.3, residues 748-768): LDFLYLKVGV[Asn758Lys]PLLRLPRCLK